The following is an entry in ClinVar:

NM_007175.8(ERLIN2):c.136G>A (p.Gly46Ser)

Gene: ERLIN2 (ER lipid raft associated 2; plus strand). Cytogenetic location: 8p11.23.
Variant type: single nucleotide variant.
Coding change: c.136G>A on transcript NM_007175.8 (MANE Select); coding-DNA position 136, G replaced by A.
Protein change: p.Gly46Ser; replaces glycine 46 with serine.
Molecular consequence: missense variant.
Genome position (GRCh38, 1-based): chr8:37,740,393, G>A. VCF-style: chr8-37740393-G-A. GRCh37 (hg19) VCF-style: chr8-37597911-G-A.
Other names: c.136G>A, p.Gly46Ser (NM_001003790.4, NM_001003791.3, NM_001362878.2 and 1 more transcripts); short protein forms G46S.
Identifiers: ClinVar variation 2066520 (VCV002066520.6), dbSNP rs372839403, ClinGen allele CA4710620.
Genomic context (GRCh38, chr8:37,740,393, plus strand): 5'-GAAGCTGCCTCTCTCTTCCCCCTCCTCTGCAGAGGCGGTGCCCTGCTGACTTCGACCAGC[G>A]GCCCTGGTTTCCATCTCATGCTCCCTTTCATCACATCATATAAGTCTGTGCAGGTATGCT-3'
Protein context (NP_009106.1, residues 36-56): RGGALLTSTS[Gly46Ser]PGFHLMLPFI

ClinVar aggregate classification (germline): Uncertain significance. Review status: criteria provided, multiple submitters, no conflicts (2 of 4 stars). 2 submissions from 2 submitters: Uncertain significance (2). Last evaluated 2025-04-18.

Conditions:
Inborn genetic diseases. Identifiers: MedGen C0950123, MeSH D030342.
Spastic paraplegia. Identifiers: MedGen C0037772, HP:0001258.

Allele frequency attached by ClinVar (database versions not stated): ESP Exome Variant Server 0.00008; ExAC 0.00009.
gnomAD v4.1: 113 of 1,612,698 alleles (0.007%); highest among the groups gnomAD compares: Middle Eastern, 0.016%; 1 homozygote.

Submissions (2):

Ambry Genetics
Classification: Uncertain significance for Inborn genetic diseases. Last evaluated: 2025-04-18. Review status: criteria provided, single submitter. Criteria: Ambry Variant Classification Scheme 2023. Collection method: clinical testing. Allele origin: germline.

Labcorp Genetics (formerly Invitae), Labcorp
Classification: Uncertain significance for Spastic paraplegia. Last evaluated: 2022-08-31. Review status: criteria provided, single submitter. Criteria: Invitae Variant Classification Sherloc (09022015). Collection method: clinical testing. Allele origin: germline.
Comment: This sequence change replaces glycine, which is neutral and non-polar, with serine, which is neutral and polar, at codon 46 of the ERLIN2 protein (p.Gly46Ser). This variant is present in population databases (rs372839403, gnomAD 0.02%), including at least one homozygous and/or hemizygous individual. This variant has not been reported in the literature in individuals affected with ERLIN2-related conditions. Algorithms developed to predict the effect of missense changes on protein structure and function (SIFT, PolyPhen-2, Align-GVGD) all suggest that this variant is likely to be tolerated. In summary, the available evidence is currently insufficient to determine the role of this variant in disease. Therefore, it has been classified as a Variant of Uncertain Significance.